The following is an entry in ClinVar:

NM_000179.3(MSH6):c.3345_3346insTATT (p.Gly1116fs)

Gene: MSH6 (mutS homolog 6; plus strand). Cytogenetic location: 2p16.3.
Variant type: Insertion.
Coding change: c.3345_3346insTATT on transcript NM_000179.3 (MANE Select); coding-DNA positions 3345 to 3346, TATT inserted.
Protein change: p.Gly1116fs; shifts the reading frame from glycine 1116.
Molecular consequence: frameshift variant. On other transcripts: non-coding transcript variant (5), splice acceptor variant (1).
Genome position: GRCh38 VCF-style: chr2-47803592-A-ATATT. GRCh37 (hg19) VCF-style: chr2-48030731-A-ATATT.
Other names: c.2955_2956insTATT, p.Gly986fs (NM_001281492.2); c.2439_2440insTATT, p.Gly814fs (NM_001281493.2, NM_001281494.2, NM_001406811.1 and 6 more transcripts); c.3441_3442insTATT, p.Gly1148fs (NM_001406795.1, NM_001406802.1); c.3345_3346insTATT, p.Gly1116fs (NM_001406796.1, NM_001406800.1, NM_001406808.1 and 1 more transcripts); c.3048_3049insTATT, p.Gly1017fs (NM_001406797.1, NM_001406801.1, NM_001406805.1 and 10 more transcripts); c.2820_2821insTATT, p.Gly941fs (NM_001406799.1, NM_001406806.1, NM_001406807.1); c.2481_2482insTATT, p.Gly828fs (NM_001406803.1); c.3267_3268insTATT, p.Gly1090fs (NM_001406804.1); and 7 more; short protein forms G1060fs, G1118fs, G1148fs, G431fs, G43fs, G1017fs, G1090fs, G594fs.
Identifiers: ClinVar variation 4734792 (VCV004734792.1).

ClinVar aggregate classification (germline): Pathogenic (1 of 4 stars; one submission).

Conditions:
Hereditary nonpolyposis colorectal neoplasms. Identifiers: MedGen C0009405, MeSH D003123.

Submission:

Labcorp Genetics (formerly Invitae), Labcorp
Classification: Pathogenic for Hereditary nonpolyposis colorectal neoplasms. Last evaluated: 2026-01-06. Review status: criteria provided, single submitter. Criteria: Invitae Variant Classification Sherloc (09022015). Collection method: clinical testing. Allele origin: germline.
Comment: This sequence change creates a premature translational stop signal (p.Gly1116Tyrfs*4) in the MSH6 gene. It is expected to result in an absent or disrupted protein product. Loss-of-function variants in MSH6 are known to be pathogenic (PMID: 18269114, 24362816). This variant is not present in population databases (gnomAD no frequency). This variant has not been reported in the literature in individuals affected with MSH6-related conditions. For these reasons, this variant has been classified as Pathogenic.

Literature cited by the submitters: PubMed 18269114; PubMed 24362816.